The following is an entry in ClinVar:

NM_001378615.1(CC2D2A):c.3476T>C (p.Val1159Ala)

Genes: CC2D2A (coiled-coil and C2 domain containing 2A; plus strand), FBXL5 (F-box and leucine rich repeat protein 5; minus strand). Cytogenetic location: 4p15.32.
Variant type: single nucleotide variant.
Coding change: c.3476T>C on transcript NM_001378615.1 (MANE Select); coding-DNA position 3476, T replaced by C.
Protein change: p.Val1159Ala; replaces valine 1159 with alanine.
Molecular consequence: missense variant.
Genome position (GRCh38, 1-based): chr4:15,569,370, T>C. VCF-style: chr4-15569370-T-C. GRCh37 (hg19) VCF-style: chr4-15570993-T-C.
Other names: c.3476T>C, p.Val1159Ala (NM_001080522.2); c.3329T>C, p.Val1110Ala (NM_001378617.1); short protein forms V1110A, V1159A.
Identifiers: ClinVar variation 3602603 (VCV003602603.1).
Genomic context (GRCh38, chr4:15,569,370, plus strand): 5'-ATAGCACAGCCAGTCTGCAGTCAGTGAAAGATGTTGTGTTCATTAACATTTTTGATGAAG[T>C]ACTGCATGATGTCTTAGAGGTAAGTTCTCAGTTTTAAGAAAGACACTTGTATTCACTTTC-3'
Protein context (NP_001365544.1, residues 1149-1169): DVVFINIFDE[Val1159Ala]LHDVLEDDRE

ClinVar aggregate classification (germline): Uncertain significance (1 of 4 stars; one submission).

Conditions:
Joubert syndrome 9 (JBTS9). Identifiers: Orphanet 2318, MedGen C2676788, MONDO:0012849, OMIM 612285.

gnomAD v4.1: 2 of 1,568,268 alleles (0.00013%); highest among the groups gnomAD compares: Admixed American, 0.0037%; no homozygotes.

Submission:

Clinical Genomics Laboratory, Washington University in St. Louis
Classification: Uncertain significance for Joubert syndrome 9. Last evaluated: 2024-10-25. Review status: criteria provided, single submitter. Criteria: ACMG Guidelines, 2015. Collection method: clinical testing. Allele origin: germline.
Comment: The CC2D2A c.3476T>C (p.Val1159Ala) variant, to our knowledge, has not been reported in the medical literature. This variant is only observed on 2/189,364 alleles in the general population (gnomAD v.2.1.1), indicating it is not a common variant. Computational predictors are uncertain as to the impact of this variant on CC2D2A function. Due to limited information, and based on ACMG/AMP guidelines for variant interpretation (Richards S et al., PMID: 25741868), the clinical significance of this variant is uncertain at this time.